The following is an entry in ClinVar:

NM_001379200.1(TBX1):c.503T>C (p.Leu168Pro)

Gene: TBX1 (T-box transcription factor 1; plus strand). Cytogenetic location: 22q11.21.
Variant type: single nucleotide variant.
Coding change: c.503T>C on transcript NM_001379200.1 (MANE Select); coding-DNA position 503, T replaced by C.
Protein change: p.Leu168Pro; replaces leucine 168 with proline.
Molecular consequence: missense variant.
Genome position (GRCh38, 1-based): chr22:19,763,306, T>C. VCF-style: chr22-19763306-T-C. GRCh37 (hg19) VCF-style: chr22-19750829-T-C.
Other names: c.476T>C, p.Leu159Pro (NM_080646.2, NM_080647.1, NM_005992.1); short protein forms L159P, L168P.
Identifiers: ClinVar variation 973222 (VCV000973222.5), dbSNP rs1936727304, ClinGen allele CA410682299.
Genomic context (GRCh38, chr22:19,763,306, plus strand): 5'-TGTTTCCCACCTTCCAAGTGAAGCTCTTCGGCATGGATCCCATGGCCGACTATATGCTGC[T>C]CATGGACTTCGTGCCGGTGGACGATAAGCGCTACCGGTGAGCGAGTGGTTGTAAGCGTGA-3'
Protein context (NP_001366129.1, residues 158-178): GMDPMADYML[Leu168Pro]MDFVPVDDKR

ClinVar aggregate classification (germline): Likely pathogenic (1 of 4 stars; one submission).

Conditions:
DiGeorge syndrome. Also called: Catch22; THIRD AND FOURTH PHARYNGEAL POUCH SYNDROME. Identifiers: Orphanet 567, MedGen C0012236, MONDO:0008564, OMIM 188400.
Tetralogy of Fallot (TOF). Identifiers: Orphanet 3303, MedGen C0039685, MONDO:0008542, OMIM 187500, HP:0001636.
Velocardiofacial syndrome (VCFS). Also called: Shprintzen syndrome; SHPRINTZEN VCF SYNDROME; VCF SYNDROME. Identifiers: Orphanet 567, MedGen C0220704, MONDO:0008644, OMIM 192430. Disease mechanism: loss of function.

Submission:

Institute for Genomic Medicine (IGM) Clinical Laboratory, Nationwide Children's Hospital
Classification: Likely pathogenic for DiGeorge syndrome; Tetralogy of Fallot; Velocardiofacial syndrome. Last evaluated: 2018-05-16. Review status: criteria provided, single submitter. Criteria: ACMG Guidelines, 2015. Collection method: clinical testing. Allele origin: germline. Affected: yes.
Comment: [ACMG/AMP: PS2, PM2, PP3] This alteration is de novo in origin as it was not detected in the submitted parental specimens (identity confirmed) [PS2], is absent from or rarely observed in large-scale population databases [PM2], is predicted to be damaging by multiple functional prediction tools [PP3].